The following is an entry in ClinVar:

ClinVar aggregate classification (germline): Likely benign (1 of 4 stars; one submission).

Allele frequency attached by ClinVar (database versions not stated): gnomAD 0.00033; TOPMed 0.00039; gnomAD exomes 0.00051.
gnomAD v4.1: 452 of 933,998 alleles (0.048%); highest among the groups gnomAD compares: Non-Finnish European, 0.053%; no homozygotes.

Submission:

CeGaT Center for Human Genetics Tuebingen
Classification: Likely benign. Last evaluated: 2023-04-01. Review status: criteria provided, single submitter. Criteria: CeGaT Center For Human Genetics Tuebingen Variant Classification Criteria Version 2. Collection method: clinical testing. Allele origin: germline. Affected: yes. Observed: 1 variant allele.
Comment: TEX13D: BS2

NM_001355534.2(TEX13D):c.1147A>T (p.Met383Leu)

Gene: TEX13D (TEX13 family member D; plus strand). Cytogenetic location: Xq25.
Variant type: single nucleotide variant.
Coding change: c.1147A>T on transcript NM_001355534.2 (MANE Select); coding-DNA position 1147, A replaced by T.
Protein change: p.Met383Leu; replaces methionine 383 with leucine.
Molecular consequence: missense variant.
Genome position (GRCh38, 1-based): chrX:124,334,064, A>T. VCF-style: chrX-124334064-A-T. GRCh37 (hg19) VCF-style: chrX-123467914-A-T.
Other names: short protein forms M383L.
Identifiers: ClinVar variation 2661357 (VCV002661357.24), dbSNP rs181190185, ClinGen allele CA335065635.